The following is an entry in ClinVar:

ClinVar aggregate classification (germline): Pathogenic (1 of 4 stars; one submission).

Conditions:
Hereditary cancer-predisposing syndrome. Also called: Neoplastic Syndromes, Hereditary; Tumor predisposition; Hereditary Cancer Syndrome; Hereditary neoplastic syndrome. Identifiers: Orphanet 140162, MedGen C0027672, MeSH D009386, MONDO:0015356.

Submission:

Ambry Genetics
Classification: Pathogenic for Hereditary cancer-predisposing syndrome. Last evaluated: 2019-07-09. Review status: criteria provided, single submitter. Criteria: Ambry Variant Classification Scheme 2023. Collection method: clinical testing. Allele origin: germline.
Comment: The c.1915_1993del79 pathogenic mutation, located in coding exon 9 of the BRCA1 gene, results from a deletion of 79 nucleotides at nucleotide positions 1915 to 1993, causing a translational frameshift with a predicted alternate stop codon. This alteration is expected to result in loss of function by premature protein truncation or nonsense-mediated mRNA decay. As such, this alteration is interpreted as a disease-causing mutation.

NM_007294.4(BRCA1):c.1915_1993del (p.Leu639fs)

Gene: BRCA1 (BRCA1 DNA repair associated; minus strand). Cytogenetic location: 17q21.31.
Variant type: Deletion.
Coding change: c.1915_1993del on transcript NM_007294.4 (MANE Select); coding-DNA positions 1915 to 1993, 79 bases deleted.
Protein change: p.Leu639fs; shifts the reading frame from leucine 639.
Molecular consequence: frameshift variant. On other transcripts: intron variant (137).
Genome position (GRCh38, 1-based): chr17:43,093,538-43,093,616, 79 bases deleted. GRCh37 (hg19): chr17:41,245,558-41,245,636.
Other names: c.1915_1993del79 (NM_007294.3); c.709+1128_709+1206del (NM_001408411.1, NM_001408415.1, NM_001408412.1 and 2 more transcripts); c.577+1128_577+1206del (NM_001408514.1, NM_001408485.1, NM_001408483.1 and 9 more transcripts); c.661+1128_661+1206del (NM_001408447.1, NM_001408433.1, NM_001408446.1 and 6 more transcripts); c.784+1128_784+1206del (NM_001408400.1, NM_001408392.1, NM_001407986.1 and 13 more transcripts); c.664+1128_664+1206del (NM_001408441.1, NM_001408437.1, NM_001408429.1 and 12 more transcripts); c.787+1128_787+1206del (NM_001407979.1, NM_001407977.1, NM_001407982.1 and 19 more transcripts); c.646+1128_646+1206del (NM_001408410.1, NM_001408458.1, NM_001408469.1 and 11 more transcripts); and 41 more; short protein forms L592fs, L639fs, L343fs, L471fs, L527fs, L597fs, L613fs, L572fs.
Identifiers: ClinVar variation 1782566 (VCV001782566.2), dbSNP rs2552195514, ClinGen allele CA2580094101.